The following is an entry in ClinVar:

NM_004836.7(EIF2AK3):c.2071G>T (p.Asp691Tyr)

Genes: EIF2AK3 (eukaryotic translation initiation factor 2 alpha kinase 3; minus strand), EIF2AK3-AS1 (EIF2AK3 antisense RNA 1; plus strand). Cytogenetic location: 2p11.2.
Variant type: single nucleotide variant.
Coding change: c.2071G>T on transcript NM_004836.7 (MANE Select); coding-DNA position 2071, G replaced by T.
Protein change: p.Asp691Tyr; replaces aspartic acid 691 with tyrosine.
Molecular consequence: missense variant. On other transcripts: non-coding transcript variant (1).
Genome position (GRCh38, 1-based): chr2:88,575,412, C>A on the plus strand (G>T on the coding strand, the complement: EIF2AK3 is on the minus strand). VCF-style: chr2-88575412-C-A. GRCh37 (hg19) VCF-style: chr2-88874930-C-A.
Other names: c.1618G>T, p.Asp540Tyr (NM_001313915.2); short protein forms D540Y, D691Y.
Identifiers: ClinVar variation 1511422 (VCV001511422.8), dbSNP rs2104412213, ClinGen allele CA347592975.

ClinVar aggregate classification (germline): Uncertain significance (1 of 4 stars; one submission).

gnomAD v4.1: 2 of 1,610,892 alleles (0.00012%); highest among the groups gnomAD compares: East Asian, 0.0045%; no homozygotes.

Submission:

Labcorp Genetics (formerly Invitae), Labcorp
Classification: Uncertain significance. Last evaluated: 2021-02-17. Review status: criteria provided, single submitter. Criteria: Invitae Variant Classification Sherloc (09022015). Collection method: clinical testing. Allele origin: germline.
Comment: In summary, the available evidence is currently insufficient to determine the role of this variant in disease. Therefore, it has been classified as a Variant of Uncertain Significance. Algorithms developed to predict the effect of sequence changes on RNA splicing suggest that this variant may create or strengthen a splice site, but this prediction has not been confirmed by published transcriptional studies. Algorithms developed to predict the effect of missense changes on protein structure and function are either unavailable or do not agree on the potential impact of this missense change (SIFT: "Deleterious"; PolyPhen-2: "Possibly Damaging"; Align-GVGD: "Class C0"). This variant has not been reported in the literature in individuals with EIF2AK3-related conditions. This variant is not present in population databases (ExAC no frequency). This sequence change replaces aspartic acid with tyrosine at codon 691 of the EIF2AK3 protein (p.Asp691Tyr). The aspartic acid residue is moderately conserved and there is a large physicochemical difference between aspartic acid and tyrosine.